The following is an entry in ClinVar:

ClinVar aggregate classification (germline): Uncertain significance (1 of 4 stars; one submission).

gnomAD v4.1: 20 of 1,612,336 alleles (0.0012%); highest among the groups gnomAD compares: South Asian, 0.0033%; no homozygotes.

Submission:

GeneDx
Classification: Uncertain significance. Last evaluated: 2024-05-21. Review status: criteria provided, single submitter. Criteria: GeneDx Variant Classification Process June 2021. Collection method: clinical testing. Allele origin: germline. Affected: yes.
Comment: Not observed at significant frequency in large population cohorts (gnomAD); In silico analysis indicates that this missense variant does not alter protein structure/function; Has not been previously published as pathogenic or benign to our knowledge

NM_001039876.3(SYNE4):c.812T>G (p.Val271Gly)

Gene: SYNE4 (spectrin repeat containing nuclear envelope family member 4; minus strand). Cytogenetic location: 19q13.12.
Variant type: single nucleotide variant.
Coding change: c.812T>G on transcript NM_001039876.3 (MANE Select); coding-DNA position 812, T replaced by G.
Protein change: p.Val271Gly; replaces valine 271 with glycine.
Molecular consequence: missense variant.
Genome position (GRCh38, 1-based): chr19:36,006,478, A>C on the plus strand (T>G on the coding strand, the complement: SYNE4 is on the minus strand). VCF-style: chr19-36006478-A-C. GRCh37 (hg19) VCF-style: chr19-36497380-A-C.
Other names: c.473T>G, p.Val158Gly (NM_001297735.3); short protein forms V158G, V271G.
Identifiers: ClinVar variation 3381549 (VCV003381549.1).